The following is an entry in ClinVar:

ClinVar aggregate classification (germline): Uncertain significance. Review status: criteria provided, multiple submitters, no conflicts (2 of 4 stars). 3 submissions from 3 submitters: Uncertain significance (3). Last evaluated 2024-10-07.

Allele frequency attached by ClinVar (database versions not stated): gnomAD exomes 0.00002 and 0.00003; gnomAD 0.00003; ExAC 0.00005; TOPMed 0.00005; ESP Exome Variant Server 0.00008.
gnomAD v4.1: 37 of 1,613,884 alleles (0.0023%); highest among the groups gnomAD compares: Non-Finnish European, 0.003%; no homozygotes.

Submissions (3):

Labcorp Genetics (formerly Invitae), Labcorp
Classification: Uncertain significance. Last evaluated: 2024-10-07. Review status: criteria provided, single submitter. Criteria: Invitae Variant Classification Sherloc (09022015). Collection method: clinical testing. Allele origin: germline.
Comment: This sequence change replaces glycine, which is neutral and non-polar, with arginine, which is basic and polar, at codon 29 of the PCYT1A protein (p.Gly29Arg). This variant is present in population databases (rs371965700, gnomAD 0.008%). This variant has not been reported in the literature in individuals affected with PCYT1A-related conditions. ClinVar contains an entry for this variant (Variation ID: 1432774). Invitae Evidence Modeling of protein sequence and biophysical properties (such as structural, functional, and spatial information, amino acid conservation, physicochemical variation, residue mobility, and thermodynamic stability) indicates that this missense variant is not expected to disrupt PCYT1A protein function with a negative predictive value of 95%. In summary, the available evidence is currently insufficient to determine the role of this variant in disease. Therefore, it has been classified as a Variant of Uncertain Significance.

Blueprint Genetics
Classification: Uncertain significance. Last evaluated: 2024-10-01. Review status: criteria provided, single submitter. Criteria: ACMG Guidelines, 2015. Collection method: clinical testing. Allele origin: germline.

Breakthrough Genomics
Classification: Uncertain significance. Review status: criteria provided, single submitter. Criteria: ACMG Guidelines, 2015. Collection method: not provided. Allele origin: germline. Inheritance: Autosomal recessive inheritance. Affected: yes.

NM_001312673.2(PCYT1A):c.85G>A (p.Gly29Arg)

Gene: PCYT1A (phosphate cytidylyltransferase 1A, choline; minus strand). Cytogenetic location: 3q29.
Variant type: single nucleotide variant.
Coding change: c.85G>A on transcript NM_001312673.2 (MANE Select); coding-DNA position 85, G replaced by A.
Protein change: p.Gly29Arg; replaces glycine 29 with arginine.
Molecular consequence: missense variant.
Genome position (GRCh38, 1-based): chr3:196,270,447, C>T on the plus strand (G>A on the coding strand, the complement: PCYT1A is on the minus strand). VCF-style: chr3-196270447-C-T. GRCh37 (hg19) VCF-style: chr3-195997318-C-T.
Other names: c.85G>A, p.Gly29Arg (NM_005017.4); short protein forms G29R.
Identifiers: ClinVar variation 1432774 (VCV001432774.8), dbSNP rs371965700, ClinGen allele CA2779654.
Genomic context (GRCh38, chr3:196,270,447, plus strand): 5'-TCCCCCTGCCAGGTTAATCTCCACTTACCACTGCACAGCGCTGCACTTTGGAAGGAACCC[C>T]ATCTTCTTCTGTTGCCCCGTTGGGTCCGGGCGCCTCTTTTCTCCTCTTCCTTGCATTGAC-3'
Protein context (NP_001299602.1, residues 19-39): PGPNGATEED[Gly29Arg]VPSKVQRCAV